The following is an entry in ClinVar:

ClinVar aggregate classification (germline): Uncertain significance (1 of 4 stars; one submission).

Conditions:
Neuropathy, hereditary sensory, type 1F. Also called: HSN IF; Hereditary sensory neuropathy type IF. Identifiers: Orphanet 36386, MedGen C3810194, MONDO:0014286, OMIM 615632.

Submission:

Labcorp Genetics (formerly Invitae), Labcorp
Classification: Uncertain significance for Hereditary sensory neuropathy type IF. Last evaluated: 2019-10-03. Review status: criteria provided, single submitter. Criteria: Invitae Variant Classification Sherloc (09022015). Collection method: clinical testing. Allele origin: germline.
Comment: This variant results in a copy number gain of the genomic region encompassing the full coding sequence of the ATL3 gene. The boundaries of this event are unknown as they extend beyond the assayed region for this gene and therefore may encompass additional genes. As the precise location of this event is unknown, it may be in tandem or it may be located elsewhere in the genome. This variant has not been reported in the literature in individuals with ATL3-related conditions. In summary, the available evidence is currently insufficient to determine the role of this variant in disease. Therefore, it has been classified as a Variant of Uncertain Significance.

NC_000011.10:g.(?_63629309)_(63671345_?)dup

Gene: ATL3 (atlastin GTPase 3; minus strand). Cytogenetic location: 11q12.3-13.1.
Variant type: Duplication.
Identifiers: ClinVar variation 830997 (VCV000830997.1).